The following is an entry in ClinVar:

ClinVar aggregate classification (germline): Benign. Review status: reviewed by expert panel (3 of 4 stars). 5 submissions from 5 submitters: Benign (1). 4 of the submissions do not count toward it. Last evaluated 2017-04-18.

Conditions:
Noonan syndrome and Noonan-related syndrome. Identifiers: Orphanet 98733, MedGen C5681679, MONDO:0020297.
RASopathy. Also called: Noonan spectrum disorder; rasopathies. Identifiers: Orphanet 536391, MedGen C5555857, MONDO:0021060.

Allele frequency attached by ClinVar (database versions not stated): gnomAD exomes 0.00003 and 0.00018; gnomAD 0.00004 and 0.00006; TOPMed 0.00007; ExAC 0.00013; 1000 Genomes Project 30x 0.00016; 1000 Genomes Project 0.00020.
gnomAD v4.1: 48 of 1,612,470 alleles (0.003%); highest among the groups gnomAD compares: East Asian, 0.094%; no homozygotes.

Submissions (5):

ClinGen RASopathy Variant Curation Expert Panel
Classification: Benign for Noonan syndrome and Noonan-related syndrome. Last evaluated: 2017-04-18. Review status: reviewed by expert panel. Criteria: ClinGen RASopathy ACMG Specifications v1. Collection method: curation. Allele origin: germline. Inheritance: Autosomal dominant inheritance.
Comment: The filtering allele frequency of the c.1150A>G (p.Arg384Gly) variant in the BRAF gene is 0.116% (16/8646) of East Asian chromosomes by the Exome Aggregation Consortium, which is a high enough frequency to be classified as benign based on thresholds defined by the ClinGen RASopathy Expert Panel (BA1; PMID:29493581)

Labcorp Genetics (formerly Invitae), Labcorp
Classification: Likely benign for RASopathy. Last evaluated: 2025-12-15. Review status: criteria provided, single submitter. Criteria: Invitae Variant Classification Sherloc (09022015). Collection method: clinical testing. Allele origin: germline. Not counted in ClinVar's aggregate classification.

Blueprint Genetics
Classification: Likely benign. Last evaluated: 2024-06-25. Review status: criteria provided, single submitter. Criteria: ACMG Guidelines, 2015. Collection method: clinical testing. Allele origin: germline. Not counted in ClinVar's aggregate classification.

Genome Diagnostics Laboratory, The Hospital for Sick Children
Classification: Benign for Noonan syndrome and Noonan-related syndrome. Last evaluated: 2021-04-29. Review status: criteria provided, single submitter. Criteria: ACMG Guidelines, 2015. Collection method: clinical testing. Allele origin: germline. Not counted in ClinVar's aggregate classification.

Women's Health and Genetics/Laboratory Corporation of America, LabCorp
Classification: Benign. Last evaluated: 2019-12-24. Review status: criteria provided, single submitter. Criteria: LabCorp Variant Classification Summary - May 2015. Collection method: clinical testing. Allele origin: germline. Not counted in ClinVar's aggregate classification.
Comment: Variant summary: BRAF c.1150A>G (p.Arg384Gly) results in a non-conservative amino acid change in the encoded protein sequence. Three of five in-silico tools predict a benign effect of the variant on protein function. The variant allele was found at a frequency of 0.00018 in 251312 control chromosomes, exclusively reported within the East Asian subpopulation at a frequency of 0.0025, in the gnomAD database. The observed variant frequency within East Asian control individuals is approximately 1000-fold of the estimated maximal allele frequency expected for a pathogenic variant in BRAF causing Noonan Syndrome and Related Conditions phenotype (2.5e-06), strongly suggesting that the variant is a benign polymorphism. c.1150A>G has been reported in the literature in a fetus with abnormal ultrasound findings (suspected of Noonan Syndrome) and in individuals with various cancer phenotypes (Croonen_2013, Zhang_2015, Griffith_2018), however, without strong evidence for causality. To our knowledge, no experimental evidence demonstrating an impact on protein function has been reported. Two submitters, including an expert panel (ClinGen RASopathy Variant Curation Expert Panel), have provided clinical-significance assessments for this variant in ClinVar after 2014, and classified the variant as likely benign / benign (expert panel). Based on the evidence outlined above, the variant was classified as benign.

Literature cited by the submitters: PubMed 23321623 (cited by Women's Health and Genetics/Laboratory Corporation of America, LabCorp); PubMed 26580448 (cited by Women's Health and Genetics/Laboratory Corporation of America, LabCorp); PubMed 24920063 (cited by Women's Health and Genetics/Laboratory Corporation of America, LabCorp); PubMed 24446311 (cited by Women's Health and Genetics/Laboratory Corporation of America, LabCorp); PubMed 27276561 (cited by Women's Health and Genetics/Laboratory Corporation of America, LabCorp); PubMed 30181556 (cited by Women's Health and Genetics/Laboratory Corporation of America, LabCorp).

NM_004333.6(BRAF):c.1150A>G (p.Arg384Gly)

Gene: BRAF (B-Raf proto-oncogene, serine/threonine kinase; minus strand). Cytogenetic location: 7q34.
Variant type: single nucleotide variant.
Coding change: c.1150A>G on transcript NM_004333.6 (MANE Select); coding-DNA position 1150, A replaced by G.
Protein change: p.Arg384Gly; replaces arginine 384 with glycine.
Molecular consequence: missense variant. On other transcripts: intron variant (1).
Genome position (GRCh38, 1-based): chr7:140,787,575, T>C on the plus strand (A>G on the coding strand, the complement: BRAF is on the minus strand). VCF-style: chr7-140787575-T-C. GRCh37 (hg19) VCF-style: chr7-140487375-T-C.
Other names: NM_004333.5(BRAF):c.1150A>G; c.1150A>G, p.Arg384Gly (NM_001354609.2, NM_001374244.1, NM_001374258.1 and 3 more transcripts); c.1159A>G, p.Arg387Gly (NM_001378467.1); c.1048A>G, p.Arg350Gly (NM_001378470.1); c.994A>G, p.Arg332Gly (NM_001378472.1, NM_001378473.1); c.886A>G, p.Arg296Gly (NM_001378475.1); c.1141-4492A>G (NM_001378471.1); short protein forms R384G, R296G, R332G, R350G, R387G.
Identifiers: ClinVar variation 448924 (VCV000448924.18), dbSNP rs545495379, ClinGen allele CA4516796.